The following is an entry in ClinVar:

ClinVar aggregate classification (germline): Pathogenic (1 of 4 stars; one submission).

Conditions:
Surfactant metabolism dysfunction, pulmonary, 4 (SMDP4). Also called: PAP DUE TO CSF2RA DEFICIENCY; PULMONARY ALVEOLAR PROTEINOSIS, CONGENITAL, 4; CSF2RA DEFICIENCY. Identifiers: Orphanet 264675, MedGen C2677877, MONDO:0010424, OMIM 300770.

Allele frequency attached by ClinVar (database versions not stated): TOPMed below 0.00001.

Submission:

Labcorp Genetics (formerly Invitae), Labcorp
Classification: Pathogenic for Surfactant metabolism dysfunction, pulmonary, 4. Last evaluated: 2022-02-10. Review status: criteria provided, single submitter. Criteria: Invitae Variant Classification Sherloc (09022015). Collection method: clinical testing. Allele origin: germline.
Comment: This variant has not been reported in the literature in individuals affected with CSF2RA-related conditions. For these reasons, this variant has been classified as Pathogenic. This variant is not present in population databases (gnomAD no frequency). This sequence change creates a premature translational stop signal (p.Trp138*) in the CSF2RA gene. It is expected to result in an absent or disrupted protein product. Loss-of-function variants in CSF2RA are known to be pathogenic (PMID: 20622029, 25425184).

Literature cited by the submitters: PubMed 20622029; PubMed 25425184.

NM_172245.4(CSF2RA):c.414G>A (p.Trp138Ter)

Gene: CSF2RA (colony stimulating factor 2 receptor subunit alpha; plus strand). Cytogenetic location: Xp22.33.
Variant type: single nucleotide variant.
Coding change: c.414G>A on transcript NM_172245.4 (MANE Select); coding-DNA position 414, G replaced by A.
Protein change: p.Trp138Ter; replaces tryptophan 138 with a stop codon.
Molecular consequence: nonsense. On other transcripts: non-coding transcript variant (1).
Genome position (GRCh38, 1-based): chrX:1,288,829, G>A. VCF-style: chrX-1288829-G-A. GRCh37 (hg19) VCF-style: chrX-1407722-G-A.
Other names: c.414G>A, p.Trp138Ter (NM_001161529.2, NM_001161530.2, NM_001161531.2 and 20 more transcripts); c.15G>A, p.Trp5Ter (NM_001161532.2); short protein forms W138*, W5*.
Identifiers: ClinVar variation 1451266 (VCV001451266.7), dbSNP rs2091060104, ClinGen allele CA412235344.